The following is an entry in ClinVar:

ClinVar aggregate classification (germline): Uncertain significance. Review status: criteria provided, multiple submitters, no conflicts (2 of 4 stars). 2 submissions from 2 submitters: Uncertain significance (2). Last evaluated 2025-04-25.

Allele frequency attached by ClinVar (database versions not stated): gnomAD 0.00003 and 0.00002; 1000 Genomes Project 30x 0.00031; gnomAD exomes 0.00004; TOPMed 0.00004; ExAC 0.00010.
gnomAD v4.1: 16 of 1,577,898 alleles (0.001%); highest among the groups gnomAD compares: Admixed American, 0.028%; no homozygotes.

Submissions (2):

Ambry Genetics
Classification: Uncertain significance. Last evaluated: 2025-04-25. Review status: criteria provided, single submitter. Criteria: Ambry Variant Classification Scheme 2023. Collection method: clinical testing. Allele origin: germline.

Labcorp Genetics (formerly Invitae), Labcorp
Classification: Uncertain significance. Last evaluated: 2024-11-04. Review status: criteria provided, single submitter. Criteria: Invitae Variant Classification Sherloc (09022015). Collection method: clinical testing. Allele origin: germline.
Comment: This sequence change replaces phenylalanine, which is neutral and non-polar, with isoleucine, which is neutral and non-polar, at codon 464 of the FCHO1 protein (p.Phe464Ile). This variant is present in population databases (rs769689184, gnomAD 0.03%). This variant has not been reported in the literature in individuals affected with FCHO1-related conditions. ClinVar contains an entry for this variant (Variation ID: 1434324). An algorithm developed to predict the effect of missense changes on protein structure and function (PolyPhen-2) suggests that this variant is likely to be disruptive. In summary, the available evidence is currently insufficient to determine the role of this variant in disease. Therefore, it has been classified as a Variant of Uncertain Significance.

NM_015122.3(FCHO1):c.1390T>A (p.Phe464Ile)

Gene: FCHO1 (FCH and mu domain containing endocytic adaptor 1; plus strand). Cytogenetic location: 19p13.11.
Variant type: single nucleotide variant.
Coding change: c.1390T>A on transcript NM_015122.3 (MANE Select); coding-DNA position 1390, T replaced by A.
Protein change: p.Phe464Ile; replaces phenylalanine 464 with isoleucine.
Molecular consequence: missense variant. On other transcripts: non-coding transcript variant (14), intron variant (15).
Genome position (GRCh38, 1-based): chr19:17,778,647, T>A. VCF-style: chr19-17778647-T-A. GRCh37 (hg19) VCF-style: chr19-17889456-T-A.
Other names: c.1390T>A, p.Phe464Ile (NM_001161357.2, NM_001161358.2, NM_001384370.1 and 13 more transcripts); c.1240T>A, p.Phe414Ile (NM_001161359.2, NM_001384384.1, NM_001384385.1 and 1 more transcripts); c.1351T>A, p.Phe451Ile (NM_001384388.1, NM_001384389.1, NM_001384405.1); c.1315T>A, p.Phe439Ile (NM_001384390.1); c.1351+419T>A (NM_001384396.1, NM_001384404.1, NM_001384398.1 and 5 more transcripts); c.1201+419T>A (NM_001384406.1); c.1057+2376T>A (NM_001384407.1); c.1352-79T>A (NM_001384393.1, NM_001384394.1, NM_001384392.1 and 1 more transcripts); and 2 more; short protein forms F414I, F439I, F451I, F464I.
Identifiers: ClinVar variation 1434324 (VCV001434324.7), dbSNP rs769689184, ClinGen allele CA9300513.